The following is an entry in ClinVar:

NM_001042492.3(NF1):c.3173A>C (p.Asp1058Ala)

Gene: NF1 (neurofibromin 1; plus strand). Cytogenetic location: 17q11.2.
Variant type: single nucleotide variant.
Coding change: c.3173A>C on transcript NM_001042492.3 (MANE Select); coding-DNA position 3173, A replaced by C.
Protein change: p.Asp1058Ala; replaces aspartic acid 1058 with alanine.
Molecular consequence: missense variant.
Genome position (GRCh38, 1-based): chr17:31,230,901, A>C. VCF-style: chr17-31230901-A-C. GRCh37 (hg19) VCF-style: chr17-29557919-A-C.
Other names: c.3173A>C, p.Asp1058Ala (NM_000267.4); short protein forms D1058A.
Identifiers: ClinVar variation 3404613 (VCV003404613.1).

ClinVar aggregate classification (germline): Uncertain significance (1 of 4 stars; one submission).

Conditions:
Hereditary cancer-predisposing syndrome. Also called: Hereditary Cancer Syndrome; Tumor predisposition; Hereditary neoplastic syndrome; Neoplastic Syndromes, Hereditary. Identifiers: Orphanet 140162, MedGen C0027672, MeSH D009386, MONDO:0015356.
Cardiovascular phenotype. Identifiers: MedGen CN230736.

Submission:

Ambry Genetics
Classification: Uncertain significance for Cardiovascular phenotype; Hereditary cancer-predisposing syndrome. Last evaluated: 2024-07-02. Review status: criteria provided, single submitter. Criteria: Ambry Variant Classification Scheme 2023. Collection method: clinical testing. Allele origin: germline.
Comment: The p.D1058A variant (also known as c.3173A>C), located in coding exon 24 of the NF1 gene, results from an A to C substitution at nucleotide position 3173. The aspartic acid at codon 1058 is replaced by alanine, an amino acid with dissimilar properties. This amino acid position is conserved. In addition, the in silico prediction for this alteration is inconclusive. Based on the available evidence, the clinical significance of this variant remains unclear.